The following is an entry in ClinVar:

ClinVar aggregate classification (germline): Pathogenic/Likely pathogenic. Review status: criteria provided, multiple submitters, no conflicts (2 of 4 stars). 6 submissions from 6 submitters: Pathogenic (3); Likely pathogenic (2). 1 of the submissions does not count toward it. Last evaluated 2025-04-03.

Conditions:
Macular dystrophy with or without extraocular features.
Hereditary spastic paraplegia 48. Also called: Spastic paraplegia 48; SPASTIC PARAPLEGIA 48, AUTOSOMAL RECESSIVE. Identifiers: Orphanet 306511, MedGen C3150901, MONDO:0013342, OMIM 613647.
AP5Z1-related disorder. Also called: AP5Z1-related condition.

Allele frequency attached by ClinVar (database versions not stated): gnomAD 0.00001; gnomAD exomes 0.00002 and 0.00003; TOPMed 0.00002; ExAC 0.00004.
gnomAD v4.1: 47 of 1,612,846 alleles (0.0029%); highest among the groups gnomAD compares: South Asian, 0.0055%; no homozygotes.

Submissions (6):

Athena Diagnostics
Classification: Pathogenic. Last evaluated: 2025-04-03. Review status: criteria provided, single submitter. Criteria: Athena Diagnostics Criteria. Collection method: clinical testing. Allele origin: unknown.
Comment: This variant is expected to result in the loss of a functional protein. The frequency of this variant in the general population is consistent with pathogenicity. This variant has been identified in at least one individual with clinical features associated with this gene.

Labcorp Genetics (formerly Invitae), Labcorp
Classification: Pathogenic for Hereditary spastic paraplegia 48. Last evaluated: 2025-02-10. Review status: criteria provided, single submitter. Criteria: Invitae Variant Classification Sherloc (09022015). Collection method: clinical testing. Allele origin: germline.
Comment: This sequence change creates a premature translational stop signal (p.Arg138*) in the AP5Z1 gene. It is expected to result in an absent or disrupted protein product. Loss-of-function variants in AP5Z1 are known to be pathogenic (PMID: 20613862, 27606357). This variant is present in population databases (rs778457903, gnomAD 0.01%). This premature translational stop signal has been observed in individual(s) with spastic paraplegia (PMID: 24833714, 27606357). ClinVar contains an entry for this variant (Variation ID: 375314). Algorithms developed to predict the effect of sequence changes on RNA splicing suggest that this variant may disrupt the consensus splice site. For these reasons, this variant has been classified as Pathogenic.

Ophthalmic Genetics Group, Institute of Molecular and Clinical Ophthalmology Basel
Classification: Likely pathogenic for Macular dystrophy with or without extraocular features. Last evaluated: 2024-12-17. Review status: criteria provided, single submitter. Criteria: ACMG Guidelines, 2015. Collection method: research. Allele origin: germline. Affected: yes. Observed: 2 variant alleles.
Comment: This stopgain change is introducing a premature termination codon at amino acid position 138, and likely results in a nonsense-mediated mRNA decay. This variant has a low population frequency (based on gnomAD v2.1.1). Therefore, it was classified as Likely pathogenic based on ACMG criteria: PVS1_vstrong, PM2_mod.

GeneDx
Classification: Pathogenic. Last evaluated: 2024-11-13. Review status: criteria provided, single submitter. Criteria: GeneDx Variant Classification Process June 2021. Collection method: clinical testing. Allele origin: germline. Affected: yes.
Comment: Published functional studies demonstrate absent protein expression in patient cell lines (PMID: 27606357); Nonsense variant predicted to result in protein truncation or nonsense mediated decay in a gene for which loss of function is a known mechanism of disease; Not observed at significant frequency in large population cohorts (gnomAD); This variant is associated with the following publications: (PMID: 34426522, 39059408, 37077568, 27606357, 24833714)

Blueprint Genetics
Classification: Likely pathogenic for AP5Z1-related disorders. Last evaluated: 2023-12-04. Review status: criteria provided, single submitter. Criteria: ACMG Guidelines, 2015. Collection method: clinical testing. Allele origin: germline. Affected: yes. Observed: 3 variant alleles.

OMIM
Classification: Pathogenic for SPASTIC PARAPLEGIA 48, AUTOSOMAL RECESSIVE. Last evaluated: 2017-01-26. Review status: no assertion criteria provided. Collection method: literature only. Allele origin: germline. Not counted in ClinVar's aggregate classification.

Literature cited by the submitters: PubMed 27606357 (cited by Athena Diagnostics and Labcorp Genetics (formerly Invitae), Labcorp); PubMed 24833714 (cited by 3 submitters); PubMed 20613862 (cited by Labcorp Genetics (formerly Invitae), Labcorp); PubMed 40081374 (cited by Ophthalmic Genetics Group, Institute of Molecular and Clinical Ophthalmology Basel).

NM_014855.3(AP5Z1):c.412C>T (p.Arg138Ter)

Gene: AP5Z1 (adaptor related protein complex 5 subunit zeta 1; plus strand). Cytogenetic location: 7p22.1.
Variant type: single nucleotide variant.
Coding change: c.412C>T on transcript NM_014855.3 (MANE Select); coding-DNA position 412, C replaced by T.
Protein change: p.Arg138Ter; replaces arginine 138 with a stop codon.
Molecular consequence: nonsense. On other transcripts: 5 prime UTR variant (1), non-coding transcript variant (1).
Genome position (GRCh38, 1-based): chr7:4,783,361, C>T. VCF-style: chr7-4783361-C-T. GRCh37 (hg19) VCF-style: chr7-4822992-C-T.
Other names: NP_055670.1:p.(Arg138Ter); c.-57C>T (NM_001364858.1); c.412C>T, p.Arg138Ter (LRG_1247t1); short protein forms R138*.
Identifiers: ClinVar variation 375314 (VCV000375314.17), dbSNP rs778457903, ClinGen allele CA4137202.